The following is an entry in ClinVar:

NC_000016.10:g.(89779958_89782858)_(89799233_89799604)del

Gene: FANCA (FA complementation group A; minus strand). Cytogenetic location: 16q24.3.
Variant type: Deletion.
Identifiers: ClinVar variation 974199 (VCV000974199.1).

ClinVar aggregate classification (germline): Pathogenic (0 of 4 stars; one submission).

Conditions:
Fanconi anemia complementation group A (FANCA). Also called: Fanconi anemia, group A; FANCA-Related Fanconi Anemia. Identifiers: Orphanet 84, MedGen C3469521, MONDO:0009215, OMIM 227650.

Submission:

Leiden Open Variation Database
Classification: Pathogenic for Fanconi anemia complementation group A. Last evaluated: 2020-02-28. Review status: no assertion criteria provided. Collection method: curation. Allele origin: germline. Affected: yes.
Comment: Curator: Arleen D. Auerbach. Submitter to LOVD: Arleen D. Auerbach.

Literature cited by the submitters: PubMed 11344308.